The following is an entry in ClinVar:

NM_006231.4(POLE):c.1858C>G (p.Pro620Ala)

Gene: POLE (DNA polymerase epsilon, catalytic subunit; minus strand). Cytogenetic location: 12q24.33.
Variant type: single nucleotide variant.
Coding change: c.1858C>G on transcript NM_006231.4 (MANE Select); coding-DNA position 1858, C replaced by G.
Protein change: p.Pro620Ala; replaces proline 620 with alanine.
Molecular consequence: missense variant.
Genome position (GRCh38, 1-based): chr12:132,668,876, G>C on the plus strand (C>G on the coding strand, the complement: POLE is on the minus strand). VCF-style: chr12-132668876-G-C. GRCh37 (hg19) VCF-style: chr12-133245462-G-C.
Other names: short protein forms P620A.
Identifiers: ClinVar variation 576568 (VCV000576568.11), dbSNP rs979085449, ClinGen allele CA387355483.

ClinVar aggregate classification (germline): Uncertain significance. Review status: criteria provided, multiple submitters, no conflicts (2 of 4 stars). 2 submissions from 2 submitters: Uncertain significance (2). Last evaluated 2024-10-16.

Conditions:
Hereditary cancer-predisposing syndrome. Also called: Tumor predisposition; Hereditary neoplastic syndrome; Hereditary Cancer Syndrome; Neoplastic Syndromes, Hereditary. Identifiers: Orphanet 140162, MedGen C0027672, MeSH D009386, MONDO:0015356.

gnomAD v4.1: 1 of 1,614,050 alleles (0.000062%); highest among the groups gnomAD compares: Non-Finnish European, 0.000085%; no homozygotes.

Submissions (2):

Labcorp Genetics (formerly Invitae), Labcorp
Classification: Uncertain significance. Last evaluated: 2024-10-16. Review status: criteria provided, single submitter. Criteria: Invitae Variant Classification Sherloc (09022015). Collection method: clinical testing. Allele origin: germline.
Comment: This sequence change replaces proline, which is neutral and non-polar, with alanine, which is neutral and non-polar, at codon 620 of the POLE protein (p.Pro620Ala). This variant is present in population databases (no rsID available, gnomAD 0.0009%). This variant has not been reported in the literature in individuals affected with POLE-related conditions. ClinVar contains an entry for this variant (Variation ID: 576568). Invitae Evidence Modeling of protein sequence and biophysical properties (such as structural, functional, and spatial information, amino acid conservation, physicochemical variation, residue mobility, and thermodynamic stability) indicates that this missense variant is expected to disrupt POLE protein function with a positive predictive value of 80%. In summary, the available evidence is currently insufficient to determine the role of this variant in disease. Therefore, it has been classified as a Variant of Uncertain Significance.

Ambry Genetics
Classification: Uncertain significance for Hereditary cancer-predisposing syndrome. Last evaluated: 2024-07-03. Review status: criteria provided, single submitter. Criteria: Ambry Variant Classification Scheme 2023. Collection method: clinical testing. Allele origin: germline.
Comment: The p.P620A variant (also known as c.1858C>G), located in coding exon 17 of the POLE gene, results from a C to G substitution at nucleotide position 1858. The proline at codon 620 is replaced by alanine, an amino acid with highly similar properties. This amino acid position is conserved. In addition, the in silico prediction for this alteration is inconclusive. Since supporting evidence is limited at this time, the clinical significance of this alteration remains unclear.